The following is an entry in ClinVar:

ClinVar aggregate classification (germline): Uncertain significance (1 of 4 stars; one submission).

Submission:

Labcorp Genetics (formerly Invitae), Labcorp
Classification: Uncertain significance. Last evaluated: 2024-11-02. Review status: criteria provided, single submitter. Criteria: Invitae Variant Classification Sherloc (09022015). Collection method: clinical testing. Allele origin: germline.
Comment: This variant, c.18_20del, results in the deletion of 1 amino acid(s) of the TXN2 protein (p.Leu7del), but otherwise preserves the integrity of the reading frame. This variant is present in population databases (rs765021021, gnomAD 0.002%). This variant has not been reported in the literature in individuals affected with TXN2-related conditions. Experimental studies and prediction algorithms are not available or were not evaluated, and the functional significance of this variant is currently unknown. In summary, the available evidence is currently insufficient to determine the role of this variant in disease. Therefore, it has been classified as a Variant of Uncertain Significance.

NM_012473.4(TXN2):c.15TCT[1] (p.Leu7del)

Gene: TXN2 (thioredoxin 2; minus strand). Cytogenetic location: 22q12.3.
Variant type: Microsatellite.
Coding change: c.15TCT[1] on transcript NM_012473.4 (MANE Select); one copy of the 3-base unit TCT starting at c.15; the reference has two copies in a row; one copy, 3 bases deleted.
Protein change: p.Leu7del; deletes leucine 7.
Molecular consequence: inframe deletion.
Genome position (GRCh38, 1-based): chr22:36,480,818-36,480,820, AGA deleted on the plus strand (TCT on the coding strand, the reverse complement: TXN2 is on the minus strand); deleting any 3 consecutive bases within chr22:36,480,818-36,480,825 gives the same sequence; the position shown is the placement nearest the transcript's 3' end. VCF-style (leftmost placement, unchanged base first): chr22-36480817-CAGA-C. GRCh37 (hg19) VCF-style: chr22-36876864-CAGA-C.
Other names: short protein forms L7del.
Identifiers: ClinVar variation 3622365 (VCV003622365.2).